The following is an entry in ClinVar:

NM_001243133.2(NLRP3):c.1462A>T (p.Arg488Trp)

Gene: NLRP3 (NLR family pyrin domain containing 3; plus strand). Cytogenetic location: 1q44.
Variant type: single nucleotide variant.
Coding change: c.1462A>T on transcript NM_001243133.2 (MANE Select); coding-DNA position 1462, A replaced by T.
Protein change: p.Arg488Trp; replaces arginine 488 with tryptophan.
Molecular consequence: missense variant.
Genome position (GRCh38, 1-based): chr1:247,424,911, A>T. VCF-style: chr1-247424911-A-T. GRCh37 (hg19) VCF-style: chr1-247588213-A-T.
Other names: c.1462A>T, p.Arg488Trp (NM_001079821.3, NM_001127461.3, NM_001127462.3 and 1 more transcripts); c.1468A>T, p.Arg490Trp (NM_004895.5); short protein forms R488W, R490W.
Identifiers: ClinVar variation 1981831 (VCV001981831.6), dbSNP rs2527270919, ClinGen allele CA345556941.

ClinVar aggregate classification (germline): Uncertain significance. Review status: criteria provided, multiple submitters, no conflicts (2 of 4 stars). 3 submissions from 3 submitters: Uncertain significance (3). Last evaluated 2025-06-03.

Conditions:
Cryopyrin associated periodic syndrome (CAPS). Identifiers: Orphanet 208650, MedGen C2316212, MONDO:0016168.
Inborn genetic diseases. Identifiers: MedGen C0950123, MeSH D030342.
Hearing loss, autosomal dominant 34, with or without inflammation. Also called: DEAFNESS, AUTOSOMAL DOMINANT 34, WITH OR WITHOUT INFLAMMATION. Identifiers: MedGen C4521680, MONDO:0033261, OMIM 617772.
Keratitis fugax hereditaria. Also called: KERATOENDOTHELIITIS FUGAX HEREDITARIA. Identifiers: Orphanet 647815, MedGen C1835697, MONDO:0007849, OMIM 148200.
Chronic infantile neurological, cutaneous and articular syndrome (CINCA). Also called: CHRONIC NEUROLOGIC CUTANEOUS AND ARTICULAR SYNDROME; CINCA syndrome; CRYOPYRIN-ASSOCIATED PERIODIC SYNDROME 3; Prieur Griscelli syndrome. Identifiers: Orphanet 1451, MedGen C0409818, MONDO:0011776, OMIM 607115.
Familial cold autoinflammatory syndrome 1 (FCAS1). Also called: CRYOPYRIN-ASSOCIATED PERIODIC SYNDROME 1; Familial cold inflammatory syndrome 1. Identifiers: Orphanet 47045, MedGen C4551895, MONDO:0007349, OMIM 120100.
Familial amyloid nephropathy with urticaria AND deafness (MWS). Also called: UDA SYNDROME; URTICARIA-DEAFNESS-AMYLOIDOSIS SYNDROME; CRYOPYRIN-ASSOCIATED PERIODIC SYNDROME 2; Urticaria, deafness and amyloidosis; MUCKLE-WELLS SYNDROME. Identifiers: Orphanet 575, MedGen C0268390, MONDO:0008633, OMIM 191900.

Allele frequency attached by ClinVar (database versions not stated): gnomAD exomes below 0.00001.
gnomAD v4.1: 3 of 1,612,498 alleles (0.00019%); highest among the groups gnomAD compares: Non-Finnish European, 0.00025%; no homozygotes.

Submissions (3):

Ambry Genetics
Classification: Uncertain significance for Inborn genetic diseases. Last evaluated: 2025-06-03. Review status: criteria provided, single submitter. Criteria: Ambry Variant Classification Scheme 2023. Collection method: clinical testing. Allele origin: germline.

Fulgent Genetics
Classification: Uncertain significance for Familial cold autoinflammatory syndrome 1; Keratitis fugax hereditaria; Familial amyloid nephropathy with urticaria AND deafness; Chronic infantile neurological, cutaneous and articular syndrome; Hearing loss, autosomal dominant 34, with or without inflammation. Last evaluated: 2024-02-28. Review status: criteria provided, single submitter. Criteria: ACMG Guidelines, 2015. Collection method: clinical testing. Allele origin: germline.

Labcorp Genetics (formerly Invitae), Labcorp
Classification: Uncertain significance for Cryopyrin associated periodic syndrome. Last evaluated: 2022-07-19. Review status: criteria provided, single submitter. Criteria: Invitae Variant Classification Sherloc (09022015). Collection method: clinical testing. Allele origin: germline.
Comment: In summary, the available evidence is currently insufficient to determine the role of this variant in disease. Therefore, it has been classified as a Variant of Uncertain Significance. Algorithms developed to predict the effect of missense changes on protein structure and function are either unavailable or do not agree on the potential impact of this missense change (SIFT: "Deleterious"; PolyPhen-2: "Probably Damaging"; Align-GVGD: "Class C15"). This variant has not been reported in the literature in individuals affected with NLRP3-related conditions. This variant is not present in population databases (gnomAD no frequency). This sequence change replaces arginine, which is basic and polar, with tryptophan, which is neutral and slightly polar, at codon 490 of the NLRP3 protein (p.Arg490Trp).